The following is an entry in ClinVar:

NM_031220.4(PITPNM3):c.2110C>A (p.Pro704Thr)

Gene: PITPNM3 (PITPNM family member 3; minus strand). Cytogenetic location: 17p13.2.
Variant type: single nucleotide variant.
Coding change: c.2110C>A on transcript NM_031220.4 (MANE Select); coding-DNA position 2110, C replaced by A.
Protein change: p.Pro704Thr; replaces proline 704 with threonine.
Molecular consequence: missense variant.
Genome position (GRCh38, 1-based): chr17:6,464,216, G>T on the plus strand (C>A on the coding strand, the complement: PITPNM3 is on the minus strand). VCF-style: chr17-6464216-G-T. GRCh37 (hg19) VCF-style: chr17-6367536-G-T.
Other names: c.2002C>A, p.Pro668Thr (NM_001165966.2); c.2110C>A (NM_031220.3); short protein forms P668T, P704T.
Identifiers: ClinVar variation 1441077 (VCV001441077.9), dbSNP rs749731891, ClinGen allele CA8329277.
Genomic context (GRCh38, chr17:6,464,216, plus strand): 5'-CCCCTGGGTCTTACCTGACGACCATCTTCACAGGATAGACACCAACCCCCAGGCGCCGGG[G>T]CCGCGGCACATTGTATGTGATGCGACCACTGCTGTTGGTGATCTCTGTGTCCAGGTGTAC-3'
Protein context (NP_112497.2, residues 694-714): SGRITYNVPR[Pro704Thr]RRLGVGVYPV

ClinVar aggregate classification (germline): Uncertain significance. Review status: criteria provided, multiple submitters, no conflicts (2 of 4 stars). 2 submissions from 2 submitters: Uncertain significance (2). Last evaluated 2025-08-20.

Allele frequency attached by ClinVar (database versions not stated): ExAC 0.00001; gnomAD 0.00001; gnomAD exomes 0.00001; TOPMed 0.00001.
gnomAD v4.1: 42 of 1,614,076 alleles (0.0026%); highest among the groups gnomAD compares: Non-Finnish European, 0.0031%; no homozygotes.

Submissions (2):

Ambry Genetics
Classification: Uncertain significance. Last evaluated: 2025-08-20. Review status: criteria provided, single submitter. Criteria: Ambry Variant Classification Scheme 2023. Collection method: clinical testing. Allele origin: germline.

Labcorp Genetics (formerly Invitae), Labcorp
Classification: Uncertain significance. Last evaluated: 2023-07-19. Review status: criteria provided, single submitter. Criteria: Invitae Variant Classification Sherloc (09022015). Collection method: clinical testing. Allele origin: germline.
Comment: This sequence change replaces proline, which is neutral and non-polar, with threonine, which is neutral and polar, at codon 704 of the PITPNM3 protein (p.Pro704Thr). This variant is present in population databases (rs749731891, gnomAD 0.0009%). This variant has not been reported in the literature in individuals affected with PITPNM3-related conditions. ClinVar contains an entry for this variant (Variation ID: 1441077). Advanced modeling of protein sequence and biophysical properties (such as structural, functional, and spatial information, amino acid conservation, physicochemical variation, residue mobility, and thermodynamic stability) performed at Invitae indicates that this missense variant is not expected to disrupt PITPNM3 protein function. In summary, the available evidence is currently insufficient to determine the role of this variant in disease. Therefore, it has been classified as a Variant of Uncertain Significance.